The following is an entry in ClinVar:

ClinVar aggregate classification (germline): Conflicting classifications of pathogenicity. Review status: criteria provided, conflicting classifications (1 of 4 stars). 2 submissions from 2 submitters: Uncertain significance (1); Benign (1). Last evaluated 2026-09-11.

Conditions:
KIF1A-related disorder. Also called: KIF1A-related disorders; KIF1A-related condition.

Submissions (2):

PreventionGenetics, part of Exact Sciences
Classification: Uncertain significance for KIF1A-related condition. Last evaluated: 2026-09-11. Review status: criteria provided, single submitter. Criteria: ACMG Guidelines, 2015. Collection method: clinical testing. Allele origin: germline.
Comment: The KIF1A c.2766_2768delGGA variant is predicted to result in an in-frame deletion (p.Glu922del). To our knowledge, this variant has not been reported in the literature. This variant is reported in 0.0018% of alleles in individuals of European (non-Finnish) descent in gnomAD. At this time, the clinical significance of this variant is uncertain due to the absence of conclusive functional and genetic evidence.

GeneDx
Classification: Benign. Last evaluated: 2015-03-03. Review status: criteria provided, single submitter. Criteria: GeneDx Variant Classification Process June 2021. Collection method: clinical testing. Allele origin: germline. Affected: yes.

NM_001244008.2(KIF1A):c.2757GGA[3] (p.Glu922del)

Gene: KIF1A (kinesin family member 1A; minus strand). Cytogenetic location: 2q37.3.
Variant type: Microsatellite.
Coding change: c.2757GGA[3] on transcript NM_001244008.2 (MANE Select); three copies in a row of the 3-base unit GGA starting at c.2757; the reference has four copies in a row; one copy, 3 bases deleted.
Protein change: p.Glu922del; deletes glutamic acid 922.
Molecular consequence: inframe deletion. On other transcripts: intron variant (18).
Genome position (GRCh38, 1-based): chr2:240,757,409-240,757,411, TCC deleted on the plus strand (GGA on the coding strand, the reverse complement: KIF1A is on the minus strand); deleting any 3 consecutive bases within chr2:240,757,409-240,757,422 gives the same sequence; the position shown is the placement nearest the transcript's 3' end. VCF-style (leftmost placement, unchanged base first): chr2-240757408-GTCC-G. GRCh37 (hg19) VCF-style: chr2-241696825-GTCC-G.
Other names: c.2832GGA[3], p.Glu947del (NM_001379631.1); c.2706GGA[3], p.Glu905del (NM_001379632.1); c.2730GGA[3], p.Glu913del (NM_001379633.1, NM_001379642.1, NM_001379645.1); c.2555+940GGA[3] (NM_001379653.1, NM_001379650.1, NM_001379640.1 and 6 more transcripts); c.2657+940GGA[3] (NM_001379635.1, NM_001330290.2, NM_001379646.1 and 1 more transcripts); c.2630+940GGA[3] (NM_001379637.1, NM_001379648.1); c.2582+940GGA[3] (NM_001320705.2, NM_001379638.1, NM_001330289.2); c.2766_2768delGGA (NM_001244008.1); short protein forms E905del, E913del, E922del, E947del.
Identifiers: ClinVar variation 1248557 (VCV001248557.3), dbSNP rs756526513, ClinGen allele CA540752720.
Genomic context (GRCh38, chr2:240,757,408, plus strand): 5'-GTCGTAAAACGGGTCCCGGCCGTCGCACAGCGCGTGCTCCGGAAAGACGTCGTCCTCCAG[GTCC>G]TCCTCCTCCTCATCCTCCTCCTCCTCCTCCTCCTCCTCCTCCTCCCCCACGCTCTGCTCC-3'